The following is an entry in ClinVar:

ClinVar aggregate classification (germline): Uncertain significance (1 of 4 stars; one submission).

Conditions:
Acrocallosal syndrome (ACLS). Also called: Schinzel syndrome 1; Absence of corpus callosum with unusual facial appearance, mental deficiency, duplication of the halluces and polydactyly; HALLUX DUPLICATION, POSTAXIAL POLYDACTYLY, AND ABSENCE OF CORPUS CALLOSUM. Identifiers: Orphanet 36, MedGen C0796147, MONDO:0008708, OMIM 200990.

Allele frequency attached by ClinVar (database versions not stated): gnomAD exomes below 0.00001.
gnomAD v4.1: 1 of 1,605,026 alleles (0.000062%); highest among the groups gnomAD compares: Admixed American, 0.0017%; no homozygotes.

Submission:

Labcorp Genetics (formerly Invitae), Labcorp
Classification: Uncertain significance for Acrocallosal syndrome. Last evaluated: 2024-10-16. Review status: criteria provided, single submitter. Criteria: Invitae Variant Classification Sherloc (09022015). Collection method: clinical testing. Allele origin: germline.
Comment: This sequence change replaces valine, which is neutral and non-polar, with alanine, which is neutral and non-polar, at codon 1107 of the KIF7 protein (p.Val1107Ala). This variant is present in population databases (no rsID available, gnomAD 0.003%). This variant has not been reported in the literature in individuals affected with KIF7-related conditions. ClinVar contains an entry for this variant (Variation ID: 961314). An algorithm developed to predict the effect of missense changes on protein structure and function outputs the following: PolyPhen-2: "Benign". The alanine amino acid residue is found in multiple mammalian species, which suggests that this missense change does not adversely affect protein function. In summary, the available evidence is currently insufficient to determine the role of this variant in disease. Therefore, it has been classified as a Variant of Uncertain Significance.

NM_198525.3(KIF7):c.3320T>C (p.Val1107Ala)

Genes: KIF7 (kinesin family member 7; minus strand), LOC126862216 (BRD4-independent group 4 enhancer GRCh37_chr15:90171995-90173194; plus strand). Cytogenetic location: 15q26.1.
Variant type: single nucleotide variant.
Coding change: c.3320T>C on transcript NM_198525.3 (MANE Select); coding-DNA position 3320, T replaced by C.
Protein change: p.Val1107Ala; replaces valine 1107 with alanine.
Molecular consequence: missense variant.
Genome position (GRCh38, 1-based): chr15:89,629,572, A>G on the plus strand (T>C on the coding strand, the complement: KIF7 is on the minus strand). VCF-style: chr15-89629572-A-G. GRCh37 (hg19) VCF-style: chr15-90172803-A-G.
Other names: short protein forms V1107A.
Identifiers: ClinVar variation 961314 (VCV000961314.10), dbSNP rs1224341278, ClinGen allele CA393755773.